The following is an entry in ClinVar:

NM_152381.6(XIRP2):c.8224A>G (p.Thr2742Ala)

Gene: XIRP2 (xin actin binding repeat containing 2; plus strand). Cytogenetic location: 2q24.3.
Variant type: single nucleotide variant.
Coding change: c.8224A>G on transcript NM_152381.6 (MANE Select); coding-DNA position 8224, A replaced by G.
Protein change: p.Thr2742Ala; replaces threonine 2742 with alanine.
Molecular consequence: missense variant. On other transcripts: intron variant (3).
Genome position (GRCh38, 1-based): chr2:167,249,616, A>G. VCF-style: chr2-167249616-A-G. GRCh37 (hg19) VCF-style: chr2-168106126-A-G.
Other names: c.7558A>G, p.Thr2520Ala (NM_001199144.2); c.1276-4416A>G (NM_001199143.2); c.1177-4416A>G (NM_001079810.4); c.511-4416A>G (NM_001199145.2); c.8224A>G (NM_152381.5); short protein forms T2520A, T2742A.
Identifiers: ClinVar variation 747281 (VCV000747281.24), dbSNP rs202045863, ClinGen allele CA1947775.
Genomic context (GRCh38, chr2:167,249,616, plus strand): 5'-TTAAATGAAACAGACCACAGCTATGAAAGTCATAAACAGCAATCTGAGATTGATGTTCAA[A>G]CCTTTACCAAAAAACAATATCTGAAAACCAAGAAAACTGAAGCAAGCACTGAATGTAGTC-3'
Protein context (NP_689594.4, residues 2732-2752): HKQQSEIDVQ[Thr2742Ala]FTKKQYLKTK

ClinVar aggregate classification (germline): Conflicting classifications of pathogenicity. Review status: criteria provided, conflicting classifications (1 of 4 stars). 3 submissions from 3 submitters: Uncertain significance (1); Likely benign (2). Last evaluated 2025-08-09.

Allele frequency attached by ClinVar (database versions not stated): gnomAD 0.00113 and 0.00118; gnomAD exomes 0.00122 and 0.00239; TOPMed 0.00126; ESP Exome Variant Server 0.00134; ExAC 0.00142.

Submissions (3):

Ambry Genetics
Classification: Uncertain significance. Last evaluated: 2025-08-09. Review status: criteria provided, single submitter. Criteria: Ambry Variant Classification Scheme 2023. Collection method: clinical testing. Allele origin: germline.

CeGaT Center for Human Genetics Tuebingen
Classification: Likely benign. Last evaluated: 2024-05-01. Review status: criteria provided, single submitter. Criteria: CeGaT Center For Human Genetics Tuebingen Variant Classification Criteria Version 2. Collection method: clinical testing. Allele origin: germline. Affected: yes. Observed: 1 variant allele.
Comment: XIRP2: BP4

Labcorp Genetics (formerly Invitae), Labcorp
Classification: Likely benign. Last evaluated: 2019-12-31. Review status: criteria provided, single submitter. Criteria: Invitae Variant Classification Sherloc (09022015). Collection method: clinical testing. Allele origin: germline.